The following is an entry in ClinVar:

ClinVar aggregate classification (germline): Uncertain significance (1 of 4 stars; one submission).

Conditions:
Haddad syndrome (OHD). Also called: Ondine-Hirschsprung disease. Identifiers: Orphanet 99803, MedGen C1859049, MONDO:0020493.

Submission:

Labcorp Genetics (formerly Invitae), Labcorp
Classification: Uncertain significance for Haddad syndrome. Last evaluated: 2020-07-27. Review status: criteria provided, single submitter. Criteria: Invitae Variant Classification Sherloc (09022015). Collection method: clinical testing. Allele origin: germline.
Comment: In summary, the available evidence is currently insufficient to determine the role of this variant in disease. Therefore, it has been classified as a Variant of Uncertain Significance. Algorithms developed to predict the effect of missense changes on protein structure and function are either unavailable or do not agree on the potential impact of this missense change (SIFT: "Deleterious"; PolyPhen-2: "Not Available"; Align-GVGD: "Class C0"). This variant has not been reported in the literature in individuals with PHOX2B-related conditions. This variant is not present in population databases (ExAC no frequency). This sequence change replaces aspartic acid with alanine at codon 285 of the PHOX2B protein (p.Asp285Ala). The aspartic acid residue is highly conserved and there is a moderate physicochemical difference between aspartic acid and alanine.

NM_003924.4(PHOX2B):c.854A>C (p.Asp285Ala)

Gene: PHOX2B (paired like homeobox 2B; minus strand). Cytogenetic location: 4p13.
Variant type: single nucleotide variant.
Coding change: c.854A>C on transcript NM_003924.4 (MANE Select); coding-DNA position 854, A replaced by C.
Protein change: p.Asp285Ala; replaces aspartic acid 285 with alanine.
Molecular consequence: missense variant.
Genome position (GRCh38, 1-based): chr4:41,745,898, T>G on the plus strand (A>C on the coding strand, the complement: PHOX2B is on the minus strand). VCF-style: chr4-41745898-T-G. GRCh37 (hg19) VCF-style: chr4-41747915-T-G.
Other names: short protein forms D285A.
Identifiers: ClinVar variation 1037073 (VCV001037073.8), dbSNP rs1733868910, ClinGen allele CA356736980.